The following is an entry in ClinVar:

ClinVar aggregate classification (germline): Uncertain significance (1 of 4 stars; one submission).

Conditions:
Cardiovascular phenotype. Identifiers: MedGen CN230736.

Allele frequency attached by ClinVar (database versions not stated): gnomAD exomes below 0.00001; TOPMed below 0.00001; gnomAD 0.00001; ExAC 0.00004.
gnomAD v4.1: 3 of 1,605,800 alleles (0.00019%); highest among the groups gnomAD compares: East Asian, 0.0067%; no homozygotes.

Submission:

Ambry Genetics
Classification: Uncertain significance for Cardiovascular phenotype. Last evaluated: 2021-09-13. Review status: criteria provided, single submitter. Criteria: Ambry Variant Classification Scheme 2023. Collection method: clinical testing. Allele origin: germline.
Comment: The p.L2666Q variant (also known as c.7997T>A), located in coding exon 53 of the RYR2 gene, results from a T to A substitution at nucleotide position 7997. The leucine at codon 2666 is replaced by glutamine, an amino acid with dissimilar properties. This amino acid position is well conserved in available vertebrate species. In addition, this alteration is predicted to be deleterious by in silico analysis. Since supporting evidence is limited at this time, the clinical significance of this alteration remains unclear.

NM_001035.3(RYR2):c.7997T>A (p.Leu2666Gln)

Gene: RYR2 (ryanodine receptor 2; plus strand). Cytogenetic location: 1q43.
Variant type: single nucleotide variant.
Coding change: c.7997T>A on transcript NM_001035.3 (MANE Select); coding-DNA position 7997, T replaced by A.
Protein change: p.Leu2666Gln; replaces leucine 2666 with glutamine.
Molecular consequence: missense variant.
Genome position (GRCh38, 1-based): chr1:237,655,852, T>A. VCF-style: chr1-237655852-T-A. GRCh37 (hg19) VCF-style: chr1-237819152-T-A.
Other names: short protein forms L2666Q.
Identifiers: ClinVar variation 1761529 (VCV001761529.2), dbSNP rs770139747, ClinGen allele CA087553.